The following is an entry in ClinVar:

NM_182919.4(TICAM1):c.1853C>A (p.Pro618Gln)

Gene: TICAM1 (TIR domain containing adaptor molecule 1; minus strand). Cytogenetic location: 19p13.3.
Variant type: single nucleotide variant.
Coding change: c.1853C>A on transcript NM_182919.4 (MANE Select); coding-DNA position 1853, C replaced by A.
Protein change: p.Pro618Gln; replaces proline 618 with glutamine.
Molecular consequence: missense variant.
Genome position (GRCh38, 1-based): chr19:4,816,525, G>T on the plus strand (C>A on the coding strand, the complement: TICAM1 is on the minus strand). VCF-style: chr19-4816525-G-T. GRCh37 (hg19) VCF-style: chr19-4816537-G-T.
Other names: c.1811C>A, p.Pro604Gln (NM_001385678.1); c.1718C>A, p.Pro573Gln (NM_001385679.1); c.1211C>A, p.Pro404Gln (NM_001385680.1); short protein forms P404Q, P573Q, P604Q, P618Q.
Identifiers: ClinVar variation 4729007 (VCV004729007.1).
Genomic context (GRCh38, chr19:4,816,525, plus strand): 5'-GCCTGCCATGCGTGCAGGGGTGGCGGCTGCGGGCACCCCGGCCAAGTGGGAAAGGGTGGC[G>T]GGGCTCCCAGGGGCACCTGGCCCCCAAAGGGCATTCGAGCCCCATAGGGCGCCCCAGTCC-3'
Protein context (NP_891549.1, residues 608-628): PFGGQVPLGA[Pro618Gln]PPFPTWPGCP

ClinVar aggregate classification (germline): Uncertain significance (1 of 4 stars; one submission).

Conditions:
Encephalopathy, acute, infection-induced (herpes-specific), susceptibility to, 6. Also called: Herpes simplex encephalitis, susceptibility to, 4. Identifiers: Orphanet 1930, MedGen C3553869, MONDO:0013921, OMIM 614850.

Submission:

Labcorp Genetics (formerly Invitae), Labcorp
Classification: Uncertain significance for Encephalopathy, acute, infection-induced (herpes-specific), susceptibility to, 6. Last evaluated: 2026-01-27. Review status: criteria provided, single submitter. Criteria: Invitae Variant Classification Sherloc (09022015). Collection method: clinical testing. Allele origin: germline.
Comment: This sequence change replaces proline, which is neutral and non-polar, with glutamine, which is neutral and polar, at codon 618 of the TICAM1 protein (p.Pro618Gln). This variant is not present in population databases (gnomAD no frequency). This variant has not been reported in the literature in individuals affected with TICAM1-related conditions. An algorithm developed to predict the effect of missense changes on protein structure and function outputs the following: PolyPhen-2: "Benign". The glutamine amino acid residue is found in multiple mammalian species, which suggests that this missense change does not adversely affect protein function. In summary, the available evidence is currently insufficient to determine the role of this variant in disease. Therefore, it has been classified as a Variant of Uncertain Significance.